The following is an entry in ClinVar:

NM_199355.4(ADAMTS18):c.*2C>G

Gene: ADAMTS18 (ADAM metallopeptidase with thrombospondin type 1 motif 18; minus strand). Cytogenetic location: 16q23.1.
Variant type: single nucleotide variant.
Coding change: c.*2C>G on transcript NM_199355.4 (MANE Select); 2 bases downstream of the stop codon, C replaced by G.
Molecular consequence: 3 prime UTR variant.
Genome position (GRCh38, 1-based): chr16:77,283,954, G>C on the plus strand (C>G on the coding strand, the complement: ADAMTS18 is on the minus strand). VCF-style: chr16-77283954-G-C. GRCh37 (hg19) VCF-style: chr16-77317851-G-C.
Other names: c.*2C>G (NM_001326358.2).
Identifiers: ClinVar variation 4980620 (VCV004980620.1).
Genomic context (GRCh38, chr16:77,283,954, plus strand): 5'-TGGTCTCTCTAGAGGTTGAAAGGTAAGCCCCTGGCCCTAAGGTGCTGGGGAGGACACCAA[G>C]ATCAGATCTTCCTTGTGCATGACTTGCAGCATTGTTTTCCGTAAAACTTGTGGTTGCAGA-3'

ClinVar aggregate classification (germline): Likely benign (1 of 4 stars; one submission).

Conditions:
ADAMTS18-related disorder. Also called: ADAMTS18-related condition.

gnomAD v4.1: 32 of 1,612,154 alleles (0.002%); highest among the groups gnomAD compares: African/African-American, 0.016%; 1 homozygote.

Submission:

PreventionGenetics, part of Exact Sciences
Classification: Likely benign for ADAMTS18-related condition. Last evaluated: 2024-10-28. Review status: criteria provided, single submitter. Criteria: ACMG Guidelines, 2015. Collection method: clinical testing. Allele origin: germline.
Comment: This variant is classified as likely benign based on ACMG/AMP sequence variant interpretation guidelines (Richards et al. 2015 PMID: 25741868, with internal and published modifications).